The following is an entry in ClinVar:

ClinVar aggregate classification (germline): Uncertain significance. Review status: criteria provided, multiple submitters, no conflicts (2 of 4 stars). 5 submissions from 5 submitters: Uncertain significance (5). Last evaluated 2024-10-17.

Conditions:
Febrile seizures, familial, 8 (FEB8). Also called: CONVULSIONS, FAMILIAL FEBRILE, 8. Identifiers: Orphanet 36387, MedGen C1969810, MONDO:0011891, OMIM 607681.
Epileptic encephalopathy. Identifiers: MedGen C0543888, HP:0200134.
EPILEPSY, CHILDHOOD ABSENCE, SUSCEPTIBILITY TO, 2 (ECA2). Identifiers: Orphanet 64280, MedGen C1843244, OMIM 607681.

Allele frequency attached by ClinVar (database versions not stated): gnomAD exomes below 0.00001; TOPMed 0.00001.
gnomAD v4.1: 1 of 1,613,786 alleles (0.000062%); highest among the groups gnomAD compares: Non-Finnish European, 0.000085%; no homozygotes.

Submissions (5):

Institute of Human Genetics, University of Leipzig Medical Center
Classification: Uncertain significance for Febrile seizures, familial, 8. Last evaluated: 2024-10-17. Review status: criteria provided, single submitter. Criteria: ACMG Guidelines, 2015. Collection method: clinical testing. Allele origin: unknown. Inheritance: Autosomal dominant inheritance. Affected: yes.
Comment: Criteria applied: PM2_SUP,PP2,PP3

Centre for Clinical Genetics and Genomic Diagnostics, Zealand University Hospital
Classification: Uncertain significance. Last evaluated: 2024-05-16. Review status: criteria provided, single submitter. Criteria: ACMG Guidelines, 2015. Collection method: clinical testing. Allele origin: inherited. Affected: yes.

Labcorp Genetics (formerly Invitae), Labcorp
Classification: Uncertain significance for Febrile seizures, familial, 8; EPILEPSY, CHILDHOOD ABSENCE, SUSCEPTIBILITY TO, 2. Last evaluated: 2023-03-17. Review status: criteria provided, single submitter. Criteria: Invitae Variant Classification Sherloc (09022015). Collection method: clinical testing. Allele origin: germline.
Comment: In summary, the available evidence is currently insufficient to determine the role of this variant in disease. Therefore, it has been classified as a Variant of Uncertain Significance. Advanced modeling of protein sequence and biophysical properties (such as structural, functional, and spatial information, amino acid conservation, physicochemical variation, residue mobility, and thermodynamic stability) performed at Invitae indicates that this missense variant is expected to disrupt GABRG2 protein function. ClinVar contains an entry for this variant (Variation ID: 850807). This variant has not been reported in the literature in individuals affected with GABRG2-related conditions. This variant is present in population databases (rs74930063, gnomAD 0.007%). This sequence change replaces leucine, which is neutral and non-polar, with phenylalanine, which is neutral and non-polar, at codon 135 of the GABRG2 protein (p.Leu135Phe).

Unidad de Genómica Garrahan, Hospital de Pediatría Garrahan
Classification: Uncertain significance for Epileptic encephalopathy. Last evaluated: 2021-01-01. Review status: criteria provided, single submitter. Criteria: ACMG Guidelines, 2015. Collection method: clinical testing. Allele origin: paternal. Affected: yes. Observed: 1 variant allele.
Comment: ACMG/AMP criteria applied: PM2, PP2, PP3. Incomplete penetrance and variable expressivity described.

CeGaT Center for Human Genetics Tuebingen
Classification: Uncertain significance. Last evaluated: 2019-11-01. Review status: criteria provided, single submitter. Criteria: CeGaT Center For Human Genetics Tuebingen Variant Classification Criteria Version 2. Collection method: clinical testing. Allele origin: germline. Affected: yes. Observed: 1 variant allele.

Literature cited by the submitters: PubMed 36571524 (cited by Unidad de Genómica Garrahan, Hospital de Pediatría Garrahan).

NM_198904.4(GABRG2):c.403C>T (p.Leu135Phe)

Gene: GABRG2 (gamma-aminobutyric acid type A receptor subunit gamma2; plus strand). Cytogenetic location: 5q34.
Variant type: single nucleotide variant.
Coding change: c.403C>T on transcript NM_198904.4 (MANE Select); coding-DNA position 403, C replaced by T.
Protein change: p.Leu135Phe; replaces leucine 135 with phenylalanine.
Molecular consequence: missense variant. On other transcripts: 5 prime UTR variant (2).
Genome position (GRCh38, 1-based): chr5:162,097,713, C>T. VCF-style: chr5-162097713-C-T. GRCh37 (hg19) VCF-style: chr5-161524719-C-T.
Other names: NP_944494.1:p.(Leu135Phe); c.403C>T, p.Leu135Phe (NM_000816.3, NM_001375340.1, NM_001375341.1 and 4 more transcripts); c.394C>T, p.Leu132Phe (NM_001375339.1); c.337C>T, p.Leu113Phe (NM_001375345.1, NM_001375346.1); c.316C>T, p.Leu106Phe (NM_001375347.1); c.-18C>T (NM_001375348.1, NM_001375350.1); c.118C>T, p.Leu40Phe (NM_001375349.1); short protein forms L113F, L40F, L106F, L132F, L135F.
Identifiers: ClinVar variation 850807 (VCV000850807.52), dbSNP rs74930063, ClinGen allele CA131111683.